The following is an entry in ClinVar:

ClinVar aggregate classification (germline): Uncertain significance (1 of 4 stars; one submission).

Conditions:
Dilated cardiomyopathy 1DD (CMD1DD). Identifiers: Orphanet 154, MedGen C2750995, MONDO:0013168, OMIM 613172.

gnomAD v4.1: 3 of 1,551,646 alleles (0.00019%); highest among the groups gnomAD compares: Non-Finnish European, 0.00017%; no homozygotes.

Submission:

Labcorp Genetics (formerly Invitae), Labcorp
Classification: Uncertain significance for Dilated cardiomyopathy 1DD. Last evaluated: 2025-04-02. Review status: criteria provided, single submitter. Criteria: Invitae Variant Classification Sherloc (09022015). Collection method: clinical testing. Allele origin: germline.
Comment: This sequence change replaces valine, which is neutral and non-polar, with glycine, which is neutral and non-polar, at codon 1102 of the RBM20 protein (p.Val1102Gly). This variant is not present in population databases (gnomAD no frequency). This variant has not been reported in the literature in individuals affected with RBM20-related conditions. Invitae Evidence Modeling of protein sequence and biophysical properties (such as structural, functional, and spatial information, amino acid conservation, physicochemical variation, residue mobility, and thermodynamic stability) indicates that this missense variant is not expected to disrupt RBM20 protein function with a negative predictive value of 95%. In summary, the available evidence is currently insufficient to determine the role of this variant in disease. Therefore, it has been classified as a Variant of Uncertain Significance.

NM_001134363.3(RBM20):c.3305T>G (p.Val1102Gly)

Gene: RBM20 (RNA binding motif protein 20; plus strand). Cytogenetic location: 10q25.2.
Variant type: single nucleotide variant.
Coding change: c.3305T>G on transcript NM_001134363.3 (MANE Select); coding-DNA position 3305, T replaced by G.
Protein change: p.Val1102Gly; replaces valine 1102 with glycine.
Molecular consequence: missense variant.
Genome position (GRCh38, 1-based): chr10:110,821,924, T>G. VCF-style: chr10-110821924-T-G. GRCh37 (hg19) VCF-style: chr10-112581682-T-G.
Other names: short protein forms V1102G.
Identifiers: ClinVar variation 4704860 (VCV004704860.1).